The following is an entry in ClinVar:

ClinVar aggregate classification (germline): Conflicting classifications of pathogenicity. Review status: criteria provided, conflicting classifications (1 of 4 stars). 3 submissions from 2 submitters: Uncertain significance (2); Likely benign (1). Last evaluated 2026-04-01.

Conditions:
Spherocytosis. Identifiers: MedGen C0553720, HP:0004444.
Hereditary spherocytosis type 1. Also called: Spherocytosis type 1; ANK1-Related Spherocytosis. Identifiers: Orphanet 822, MedGen C2674218, MONDO:0008447, OMIM 182900.

Allele frequency attached by ClinVar (database versions not stated): gnomAD 0.00004 and 0.00005; gnomAD exomes 0.00004 and 0.00006; TOPMed 0.00006; ExAC 0.00007.
gnomAD v4.1: 60 of 1,613,990 alleles (0.0037%); highest among the groups gnomAD compares: East Asian, 0.016%; 1 homozygote.

Submissions (3):

CeGaT Center for Human Genetics Tuebingen
Classification: Likely benign. Last evaluated: 2026-04-01. Review status: criteria provided, single submitter. Criteria: CeGaT Center For Human Genetics Tuebingen Variant Classification Criteria Version 2. Collection method: clinical testing. Allele origin: germline. Affected: yes. Observed: 1 variant allele.
Comment: ANK1: BP4, BP7

Illumina Laboratory Services, Illumina
Classification: Uncertain significance for Hereditary spherocytosis type 1. Last evaluated: 2018-01-13. Review status: criteria provided, single submitter. Criteria: ICSL Variant Classification Criteria 13 December 2019. Collection method: clinical testing. Allele origin: germline.

Illumina Laboratory Services, Illumina
Classification: Uncertain significance for Spherocytosis. Last evaluated: 2018-01-13. Review status: criteria provided, single submitter. Criteria: ICSL Variant Classification Criteria 13 December 2019. Collection method: clinical testing. Allele origin: germline.

NM_000037.4(ANK1):c.1638C>T (p.Tyr546=)

Gene: ANK1 (ankyrin 1; minus strand). Cytogenetic location: 8p11.21.
Variant type: single nucleotide variant.
Coding change: c.1638C>T on transcript NM_000037.4 (MANE Select); coding-DNA position 1638, C replaced by T.
Protein change: p.Tyr546=; no amino-acid change (tyrosine 546 retained).
Molecular consequence: synonymous variant.
Genome position (GRCh38, 1-based): chr8:41,715,039, G>A on the plus strand (C>T on the coding strand, the complement: ANK1 is on the minus strand). VCF-style: chr8-41715039-G-A. GRCh37 (hg19) VCF-style: chr8-41572557-G-A.
Other names: c.1737C>T, p.Tyr579= (NM_001142446.2); c.1638C>T, p.Tyr546= (NM_020475.3, NM_020476.3, NM_020477.3).
Identifiers: ClinVar variation 912165 (VCV000912165.6), dbSNP rs771419825, ClinGen allele CA4728542.